The following is an entry in ClinVar:

NM_003000.3(SDHB):c.680del (p.Thr227fs)

Gene: SDHB (succinate dehydrogenase complex iron sulfur subunit B; minus strand). Cytogenetic location: 1p36.13.
Variant type: Deletion.
Coding change: c.680del on transcript NM_003000.3 (MANE Select); coding-DNA position 680, one base deleted (C; older notation c.680delC).
Protein change: p.Thr227fs; shifts the reading frame from threonine 227.
Molecular consequence: frameshift variant.
Genome position (GRCh38, 1-based): chr1:17,022,693, G deleted on the plus strand (C on the coding strand, the reverse complement: SDHB is on the minus strand). VCF-style (leftmost placement, unchanged base first): chr1-17022692-TG-T. GRCh37 (hg19) VCF-style: chr1-17349187-TG-T.
Other names: c.626del, p.Thr209fs (NM_001407361.1); short protein forms T209fs, T227fs.
Identifiers: ClinVar variation 2625094 (VCV002625094.2), dbSNP rs2525004224, ClinGen allele CA2582341892.

ClinVar aggregate classification (germline): Pathogenic (1 of 4 stars; one submission).

Conditions:
Hereditary cancer-predisposing syndrome. Also called: Tumor predisposition; Hereditary Cancer Syndrome; Hereditary neoplastic syndrome; Neoplastic Syndromes, Hereditary. Identifiers: Orphanet 140162, MedGen C0027672, MeSH D009386, MONDO:0015356.

Submission:

Ambry Genetics
Classification: Pathogenic for Hereditary cancer-predisposing syndrome. Last evaluated: 2023-09-05. Review status: criteria provided, single submitter. Criteria: Ambry Variant Classification Scheme 2023. Collection method: clinical testing. Allele origin: germline.
Comment: The c.680delC pathogenic mutation, located in coding exon 7 of the SDHB gene, results from a deletion of one nucleotide at nucleotide position 680, causing a translational frameshift with a predicted alternate stop codon (p.T227Kfs*21). This alteration occurs at the 3' terminus of theSDHB gene, is not expected to trigger nonsense-mediated mRNA decay, and only impacts the last 54 amino acids of the protein. However, premature stop codons are typically deleterious in nature, a significant portion of the protein is affected, and the impacted region is critical for protein function (Ambry internal data). This alteration has been observed in at least one individual with a personal and/or family history that is consistent with SDHB-related disease (Ambry internal data). This variant is considered to be rare based on population cohorts in the Genome Aggregation Database (gnomAD). Based on the supporting evidence, this alteration is interpreted as a disease-causing mutation.